The following is an entry in ClinVar:

ClinVar aggregate classification (germline): Conflicting classifications of pathogenicity. Review status: criteria provided, conflicting classifications (1 of 4 stars). 4 submissions from 4 submitters: Uncertain significance (3); Likely benign (1). Last evaluated 2025-09-09.

Conditions:
Hereditary cancer-predisposing syndrome. Also called: Neoplastic Syndromes, Hereditary; Tumor predisposition; Hereditary Cancer Syndrome; Hereditary neoplastic syndrome. Identifiers: Orphanet 140162, MedGen C0027672, MeSH D009386, MONDO:0015356.
Familial adenomatous polyposis 2. Also called: Adenomas, multiple colorectal; MUTYH Polyposis; COLORECTAL ADENOMATOUS POLYPOSIS, AUTOSOMAL RECESSIVE; ADENOMAS, MULTIPLE COLORECTAL, AUTOSOMAL RECESSIVE; MUTYH-associated polyposis; MUTYH-related attenuated familial adenomatous polyposis. Identifiers: Orphanet 220460, Orphanet 247798, MedGen C3272841, MONDO:0012041, OMIM 608456.

Allele frequency attached by ClinVar (database versions not stated): gnomAD exomes below 0.00001; ExAC 0.00001; gnomAD 0.00001; 1000 Genomes Project 30x 0.00016; 1000 Genomes Project 0.00020.
gnomAD v4.1: 2 of 1,608,496 alleles (0.00012%); highest among the groups gnomAD compares: South Asian, 0.0022%; no homozygotes.

Submissions (4):

Ambry Genetics
Classification: Likely benign for Hereditary cancer-predisposing syndrome. Last evaluated: 2025-09-09. Review status: criteria provided, single submitter. Criteria: Ambry Variant Classification Scheme 2023. Collection method: clinical testing. Allele origin: germline.

Labcorp Genetics (formerly Invitae), Labcorp
Classification: Uncertain significance for Familial adenomatous polyposis 2. Last evaluated: 2025-03-30. Review status: criteria provided, single submitter. Criteria: Invitae Variant Classification Sherloc (09022015). Collection method: clinical testing. Allele origin: germline.
Comment: This sequence change replaces phenylalanine, which is neutral and non-polar, with leucine, which is neutral and non-polar, at codon 494 of the MUTYH protein (p.Phe494Leu). The frequency data for this variant in the population databases is considered unreliable, as metrics indicate poor data quality at this position in the gnomAD database. This variant has not been reported in the literature in individuals affected with MUTYH-related conditions. ClinVar contains an entry for this variant (Variation ID: 923658). An algorithm developed to predict the effect of missense changes on protein structure and function outputs the following: PolyPhen-2: "Benign". The leucine amino acid residue is found in multiple mammalian species, which suggests that this missense change does not adversely affect protein function. In summary, the available evidence is currently insufficient to determine the role of this variant in disease. Therefore, it has been classified as a Variant of Uncertain Significance.

Color Diagnostics, LLC DBA Color Health
Classification: Uncertain significance for Hereditary cancer-predisposing syndrome. Last evaluated: 2024-03-06. Review status: criteria provided, single submitter. Criteria: ACMG Guidelines, 2015. Collection method: clinical testing. Allele origin: germline.
Comment: This missense variant replaces phenylalanine with leucine at codon 494 of the MUTYH protein. Computational prediction suggests that this variant may not impact protein structure and function (internally defined REVEL score threshold <= 0.5, PMID: 27666373). To our knowledge, functional studies have not been reported for this variant. This variant has not been reported in individuals affected with MUTYH-related disorders in the literature. This variant has been identified in 1/239686 chromosomes in the general population by the Genome Aggregation Database (gnomAD). The available evidence is insufficient to determine the role of this variant in disease conclusively. Therefore, this variant is classified as a Variant of Uncertain Significance.

Quest Diagnostics Nichols Institute San Juan Capistrano
Classification: Uncertain significance. Last evaluated: 2023-08-24. Review status: criteria provided, single submitter. Criteria: Quest Diagnostics criteria. Collection method: clinical testing. Allele origin: unknown.
Comment: This variant has not been reported in the published literature. The frequency of this variant in the general population, 0.0000042 (1/239686 chromosomes (Genome Aggregation Database)), is uninformative in the assessment of its pathogenicity. Analysis of this variant using bioinformatics tools for the prediction of the effect of amino acid changes on protein structure and function yielded predictions that this variant is benign. Based on the available information, we are unable to determine the clinical significance of this variant.

NM_001048174.2(MUTYH):c.1396T>C (p.Phe466Leu)

Gene: MUTYH (mutY DNA glycosylase; minus strand). Cytogenetic location: 1p34.1.
Variant type: single nucleotide variant.
Coding change: c.1396T>C on transcript NM_001048174.2 (MANE Select); coding-DNA position 1396, T replaced by C.
Protein change: p.Phe466Leu; replaces phenylalanine 466 with leucine.
Molecular consequence: missense variant. On other transcripts: non-coding transcript variant (2).
Genome position (GRCh38, 1-based): chr1:45,330,554, A>G on the plus strand (T>C on the coding strand, the complement: MUTYH is on the minus strand). VCF-style: chr1-45330554-A-G. GRCh37 (hg19) VCF-style: chr1-45796226-A-G.
Other names: c.1396T>C, p.Phe466Leu (NM_001048171.2, NM_001048173.2, NM_001293195.2); c.1399T>C, p.Phe467Leu (NM_001048172.2); c.1480T>C, p.Phe494Leu (NM_001128425.2); c.1441T>C, p.Phe481Leu (NM_001293190.2); c.1429T>C, p.Phe477Leu (NM_001293191.2); c.1120T>C, p.Phe374Leu (NM_001293192.2, NM_001293196.2); c.1051T>C, p.Phe351Leu (NM_001350650.2, NM_001350651.2); c.1471T>C, p.Phe491Leu (NM_012222.3); short protein forms F351L, F374L, F494L, F467L, F477L, F466L, F481L, F491L.
Identifiers: ClinVar variation 923658 (VCV000923658.18), dbSNP rs535102558, ClinGen allele CA056625.